The following is an entry in ClinVar:

ClinVar aggregate classification (germline): Conflicting classifications of pathogenicity. Review status: criteria provided, conflicting classifications (1 of 4 stars). 3 submissions from 3 submitters: Uncertain significance (2); Likely benign (1). Last evaluated 2026-01-02.

Conditions:
RP1L1-related disorder. Also called: RP1L1-related condition.
Retinal dystrophy. Also called: Inherited retinal dystrophy. Identifiers: Orphanet 71862, MedGen C0854723, MeSH D058499, MONDO:0019118, HP:0000556.

gnomAD v4.1: 42 of 1,610,886 alleles (0.0026%); highest among the groups gnomAD compares: Middle Eastern, 0.016%; no homozygotes.

Submissions (3):

PreventionGenetics, part of Exact Sciences
Classification: Uncertain significance for RP1L1-related condition. Last evaluated: 2026-01-02. Review status: criteria provided, single submitter. Criteria: ACMG Guidelines, 2015. Collection method: clinical testing. Allele origin: germline.
Comment: The RP1L1 c.3189G>C variant is predicted to result in the amino acid substitution p.Glu1063Asp. This variant has been reported with uncertain significance in an individual with retinal disease (Table S12, Diñeiro et al. 2020. PubMed ID: 32483926). This variant is present in 0.0029% of alleles in individuals of Latino descent in gnomAD. At this time, the clinical significance of this variant is uncertain due to the absence of conclusive functional and genetic evidence.

Blueprint Genetics
Classification: Likely benign. Last evaluated: 2024-10-24. Review status: criteria provided, single submitter. Criteria: ACMG Guidelines, 2015. Collection method: clinical testing. Allele origin: germline.

Institute of Human Genetics, Univ. Regensburg, Univ. Regensburg
Classification: Uncertain significance for Retinal dystrophy. Last evaluated: 2023-01-01. Review status: criteria provided, single submitter. Criteria: ACMG Guidelines, 2015. Collection method: clinical testing. Allele origin: germline. Affected: yes.

Literature cited by the submitters: PubMed 32483926 (cited by Institute of Human Genetics, Univ. Regensburg, Univ. Regensburg).

NM_178857.6(RP1L1):c.3189G>C (p.Glu1063Asp)

Gene: RP1L1 (RP1 like 1). Cytogenetic location: 8p23.1.
Variant type: single nucleotide variant.
Coding change: c.3189G>C on transcript NM_178857.6 (MANE Select); coding-DNA position 3189, G replaced by C.
Protein change: p.Glu1063Asp; replaces glutamic acid 1063 with aspartic acid.
Molecular consequence: missense variant.
Genome position (GRCh38, 1-based): chr8:10,610,909, C>G on the plus strand (G>C on the coding strand, the complement: RP1L1 is on the minus strand). VCF-style: chr8-10610909-C-G. GRCh37 (hg19) VCF-style: chr8-10468419-C-G.
Other names: c.3189G>C (NM_178857.5); short protein forms E1063D.
Identifiers: ClinVar variation 3249580 (VCV003249580.3).